The following is an entry in ClinVar:

ClinVar aggregate classification (germline): Uncertain significance (1 of 4 stars; one submission).

Submission:

Greenwood Genetic Center Diagnostic Laboratories, Greenwood Genetic Center
Classification: Uncertain significance. Last evaluated: 2022-01-25. Review status: criteria provided, single submitter. Criteria: ACMG Guidelines, 2015. Collection method: clinical testing. Allele origin: germline. Affected: yes.
Comment: PP2, PP3, PM2

NM_004380.3(CREBBP):c.3219G>C (p.Gln1073His)

Gene: CREBBP (CREB binding protein; minus strand). Cytogenetic location: 16p13.3.
Variant type: single nucleotide variant.
Coding change: c.3219G>C on transcript NM_004380.3 (MANE Select); coding-DNA position 3219, G replaced by C.
Protein change: p.Gln1073His; replaces glutamine 1073 with histidine.
Molecular consequence: missense variant.
Genome position (GRCh38, 1-based): chr16:3,767,751, C>G on the plus strand (G>C on the coding strand, the complement: CREBBP is on the minus strand). VCF-style: chr16-3767751-C-G. GRCh37 (hg19) VCF-style: chr16-3817752-C-G.
Other names: c.3105G>C, p.Gln1035His (NM_001079846.1); short protein forms Q1035H, Q1073H.
Identifiers: ClinVar variation 1676554 (VCV001676554.3), dbSNP rs2052891462, ClinGen allele CA394570464.